The following is an entry in ClinVar:

NM_022464.5(SIL1):c.355C>G (p.Leu119Val)

Gene: SIL1 (SIL1 nucleotide exchange factor; minus strand). Cytogenetic location: 5q31.2.
Variant type: single nucleotide variant.
Coding change: c.355C>G on transcript NM_022464.5 (MANE Select); coding-DNA position 355, C replaced by G.
Protein change: p.Leu119Val; replaces leucine 119 with valine.
Molecular consequence: missense variant.
Genome position (GRCh38, 1-based): chr5:139,042,718, G>C on the plus strand (C>G on the coding strand, the complement: SIL1 is on the minus strand). VCF-style: chr5-139042718-G-C. GRCh37 (hg19) VCF-style: chr5-138378407-G-C.
Other names: c.355C>G, p.Leu119Val (NM_001037633.2); short protein forms L119V.
Identifiers: ClinVar variation 450778 (VCV000450778.6), dbSNP rs758512287, ClinGen allele CA3432598.
Genomic context (GRCh38, chr5:139,042,718, plus strand): 5'-TGAATTTTGCCAGTGCACTCTTGAGATCCTGAGATGTGTAGGTGTTGGTGTTGATATCCA[G>C]CCTGTCCAAAGAAAACTGAGAGTAAAGAGGGAGGCATGGCTAGGCTTGGTGGCTCACAGT-3'
Protein context (NP_071909.1, residues 109-129): KFRNNLKGKR[Leu119Val]DINTNTYTSQ

ClinVar aggregate classification (germline): Uncertain significance. Review status: criteria provided, multiple submitters, no conflicts (2 of 4 stars). 4 submissions from 4 submitters: Uncertain significance (4). Last evaluated 2025-02-19.

Conditions:
Inborn genetic diseases. Identifiers: MedGen C0950123, MeSH D030342.
Marinesco-Sjögren syndrome (MSS). Also called: Marinesco-SjÃ¶gren syndrome; Marinesco-Sjogren Syndrome. Identifiers: Orphanet 559, MedGen C0024814, MONDO:0009567, OMIM 248800.

Allele frequency attached by ClinVar (database versions not stated): gnomAD exomes below 0.00001 and 0.00001; ExAC 0.00001; TOPMed 0.00001; gnomAD 0.00003.
gnomAD v4.1: 20 of 1,613,858 alleles (0.0012%); highest among the groups gnomAD compares: African/African-American, 0.0027%; 1 homozygote.

Submissions (4):

GeneDx
Classification: Uncertain significance. Last evaluated: 2025-02-19. Review status: criteria provided, single submitter. Criteria: GeneDx Variant Classification Process June 2021. Collection method: clinical testing. Allele origin: germline. Affected: yes.
Comment: Not observed at significant frequency in large population cohorts (gnomAD); In silico analysis indicates that this missense variant does not alter protein structure/function; Has not been previously published as pathogenic or benign to our knowledge

Athena Diagnostics
Classification: Uncertain significance. Last evaluated: 2022-11-08. Review status: criteria provided, single submitter. Criteria: Athena Diagnostics Criteria. Collection method: clinical testing. Allele origin: unknown.
Comment: Available data are insufficient to determine the clinical significance of the variant at this time. The frequency of this variant in the general population is uninformative in assessment of its pathogenicity. Computational tools predict that this variant is not damaging.

Labcorp Genetics (formerly Invitae), Labcorp
Classification: Uncertain significance for Marinesco-Sjögren syndrome. Last evaluated: 2022-01-26. Review status: criteria provided, single submitter. Criteria: Invitae Variant Classification Sherloc (09022015). Collection method: clinical testing. Allele origin: germline.
Comment: This sequence change replaces leucine, which is neutral and non-polar, with valine, which is neutral and non-polar, at codon 119 of the SIL1 protein (p.Leu119Val). This variant is present in population databases (rs758512287, gnomAD 0.002%). This variant has not been reported in the literature in individuals affected with SIL1-related conditions. ClinVar contains an entry for this variant (Variation ID: 450778). Algorithms developed to predict the effect of missense changes on protein structure and function are either unavailable or do not agree on the potential impact of this missense change (SIFT: "Tolerated"; PolyPhen-2: "Possibly Damaging"; Align-GVGD: "Class C0"). In summary, the available evidence is currently insufficient to determine the role of this variant in disease. Therefore, it has been classified as a Variant of Uncertain Significance.

Ambry Genetics
Classification: Uncertain significance for Inborn genetic diseases. Last evaluated: 2021-07-19. Review status: criteria provided, single submitter. Criteria: Ambry Variant Classification Scheme 2023. Collection method: clinical testing. Allele origin: germline.